The following is an entry in ClinVar:

NM_001042492.3(NF1):c.1642-11A>C

Gene: NF1 (neurofibromin 1; plus strand). Cytogenetic location: 17q11.2.
Variant type: single nucleotide variant.
Coding change: c.1642-11A>C on transcript NM_001042492.3 (MANE Select); 11 bases into the intron before coding-DNA position 1642, A replaced by C.
Molecular consequence: intron variant.
Genome position (GRCh38, 1-based): chr17:31,221,839, A>C. VCF-style: chr17-31221839-A-C. GRCh37 (hg19) VCF-style: chr17-29548857-A-C.
Other names: c.1642-11A>C (NM_000267.4, NM_001128147.3).
Identifiers: ClinVar variation 4875912 (VCV004875912.1).

ClinVar aggregate classification (germline): Likely benign (1 of 4 stars; one submission).

Conditions:
Neurofibromatosis, type 1 (NF1). Also called: VON RECKLINGHAUSEN DISEASE; NEUROFIBROMATOSIS, TYPE I, SOMATIC; Peripheral type neurofibromatosis; Neurofibromatosis, type I. Identifiers: Orphanet 636, MedGen C0027831, MONDO:0018975, OMIM 162200. Disease mechanism: loss of function.

Submission:

Myriad Genetics, Inc.
Classification: Likely benign for Neurofibromatosis, type 1. Last evaluated: 2026-05-11. Review status: criteria provided, single submitter. Criteria: Myriad Autosomal Dominant, Autosomal Recessive and X-Linked Classification Criteria (2023). Collection method: clinical testing. Allele origin: unknown.
Comment: This variant is considered likely benign. This variant is intronic and is not expected to impact mRNA splicing.